The following is an entry in ClinVar:

ClinVar aggregate classification (germline): Uncertain significance (1 of 4 stars; one submission).

Conditions:
Early Myoclonic Encephalopathy. Identifiers: MedGen C0270855.

Allele frequency attached by ClinVar (database versions not stated): TOPMed 0.00001; gnomAD exomes below 0.00001; ExAC 0.00001; gnomAD 0.00001.
gnomAD v4.1: 6 of 1,613,768 alleles (0.00037%); highest among the groups gnomAD compares: Non-Finnish European, 0.00051%; no homozygotes.

Submission:

Labcorp Genetics (formerly Invitae), Labcorp
Classification: Uncertain significance for Early Myoclonic Encephalopathy. Last evaluated: 2025-08-11. Review status: criteria provided, single submitter. Criteria: Invitae Variant Classification Sherloc (09022015). Collection method: clinical testing. Allele origin: germline.
Comment: This sequence change replaces serine, which is neutral and polar, with threonine, which is neutral and polar, at codon 211 of the KCND2 protein (p.Ser211Thr). This variant is present in population databases (rs748236416, gnomAD 0.0009%). This variant has not been reported in the literature in individuals affected with KCND2-related conditions. ClinVar contains an entry for this variant (Variation ID: 1403057). Invitae Evidence Modeling of protein sequence and biophysical properties (such as structural, functional, and spatial information, amino acid conservation, physicochemical variation, residue mobility, and thermodynamic stability) indicates that this missense variant is not expected to disrupt KCND2 protein function with a negative predictive value of 95%. In summary, the available evidence is currently insufficient to determine the role of this variant in disease. Therefore, it has been classified as a Variant of Uncertain Significance.

NM_012281.3(KCND2):c.631T>A (p.Ser211Thr)

Gene: KCND2 (potassium voltage-gated channel subfamily D member 2; plus strand). Cytogenetic location: 7q31.31.
Variant type: single nucleotide variant.
Coding change: c.631T>A on transcript NM_012281.3 (MANE Select); coding-DNA position 631, T replaced by A.
Protein change: p.Ser211Thr; replaces serine 211 with threonine.
Molecular consequence: missense variant.
Genome position (GRCh38, 1-based): chr7:120,275,263, T>A. VCF-style: chr7-120275263-T-A. GRCh37 (hg19) VCF-style: chr7-119915317-T-A.
Other names: short protein forms S211T.
Identifiers: ClinVar variation 1403057 (VCV001403057.6), dbSNP rs748236416, ClinGen allele CA4453524.